The following is an entry in ClinVar:

ClinVar aggregate classification (germline): Conflicting classifications of pathogenicity. Review status: criteria provided, conflicting classifications (1 of 4 stars). 7 submissions from 7 submitters: Uncertain significance (6); Likely benign (1). Last evaluated 2026-07-07.

Conditions:
Hypertrophic cardiomyopathy 26. Also called: Cardiomyopathy, familial hypertrophic, 26. Identifiers: Orphanet 75249, MedGen C4310749, MONDO:0014883, OMIM 617047.
Myofibrillar myopathy 5. Also called: Filaminopathy (type); FILAMINOPATHY, AUTOSOMAL DOMINANT. Identifiers: Orphanet 171445, MedGen C1836050, MONDO:0012289, OMIM 609524.
Distal myopathy with posterior leg and anterior hand involvement. Also called: WILLIAMS DISTAL MYOPATHY. Identifiers: Orphanet 63273, MedGen C3279722, MONDO:0013550, OMIM 614065.
FLNC-related disorder. Also called: FLNC-related condition; FLNC-related disorders.
Dilated Cardiomyopathy, Dominant.
Cardiovascular phenotype. Identifiers: MedGen CN230736.

Allele frequency attached by ClinVar (database versions not stated): ExAC 0.00002; gnomAD 0.00002 and 0.00003; gnomAD exomes 0.00002; TOPMed 0.00003.
gnomAD v4.1: 36 of 1,611,798 alleles (0.0022%); highest among the groups gnomAD compares: South Asian, 0.013%; no homozygotes.

Submissions (7):

PreventionGenetics, part of Exact Sciences
Classification: Uncertain significance for FLNC-related condition. Last evaluated: 2026-07-07. Review status: criteria provided, single submitter. Criteria: ACMG Guidelines, 2015. Collection method: clinical testing. Allele origin: germline.
Comment: The FLNC c.898G>A variant is predicted to result in the amino acid substitution p.Val300Met. This variant, in conjunction with additional variants in other candidate genes, has been reported in an individual with dilated cardiomyopathy (Peña-Peña et al. 2021. PubMed ID: 32826072). This variant is reported in 0.0066% of alleles in individuals of African descent in gnomAD. At this time, the clinical significance of this variant is uncertain due to the absence of conclusive functional and genetic evidence.

Molecular Diagnostic Laboratory for Inherited Cardiovascular Disease, Montreal Heart Institute
Classification: Uncertain significance for Cardiovascular phenotype. Last evaluated: 2026-03-27. Review status: criteria provided, single submitter. Criteria: ACMG Guidelines, 2015. Collection method: clinical testing. Allele origin: germline. Affected: yes.
Comment: PP3

Institute of Human Genetics, Cologne University
Classification: Uncertain significance for Hypertrophic cardiomyopathy 26. Last evaluated: 2025-04-07. Review status: criteria provided, single submitter. Criteria: ACMG Guidelines, 2015. Collection method: clinical testing. Allele origin: germline. Affected: yes.

Labcorp Genetics (formerly Invitae), Labcorp
Classification: Uncertain significance for Distal myopathy with posterior leg and anterior hand involvement; Myofibrillar myopathy 5; Hypertrophic cardiomyopathy 26. Last evaluated: 2024-04-15. Review status: criteria provided, single submitter. Criteria: Invitae Variant Classification Sherloc (09022015). Collection method: clinical testing. Allele origin: germline.
Comment: This sequence change replaces valine, which is neutral and non-polar, with methionine, which is neutral and non-polar, at codon 300 of the FLNC protein (p.Val300Met). This variant is present in population databases (rs765885585, gnomAD 0.007%). This variant has not been reported in the literature in individuals affected with FLNC-related conditions. ClinVar contains an entry for this variant (Variation ID: 837240). Advanced modeling of protein sequence and biophysical properties (such as structural, functional, and spatial information, amino acid conservation, physicochemical variation, residue mobility, and thermodynamic stability) has been performed at Invitae for this missense variant, however the output from this modeling did not meet the statistical confidence thresholds required to predict the impact of this variant on FLNC protein function. In summary, the available evidence is currently insufficient to determine the role of this variant in disease. Therefore, it has been classified as a Variant of Uncertain Significance.

Ambry Genetics
Classification: Uncertain significance for Cardiovascular phenotype. Last evaluated: 2024-01-22. Review status: criteria provided, single submitter. Criteria: Ambry Variant Classification Scheme 2023. Collection method: clinical testing. Allele origin: germline.
Comment: The p.V300M variant (also known as c.898G>A), located in coding exon 5 of the FLNC gene, results from a G to A substitution at nucleotide position 898. The valine at codon 300 is replaced by methionine, an amino acid with highly similar properties. This amino acid position is highly conserved in available vertebrate species. In addition, the in silico prediction for this alteration is inconclusive. Since supporting evidence is limited at this time, the clinical significance of this alteration remains unclear.

Fulgent Genetics
Classification: Uncertain significance for Myofibrillar myopathy 5; Distal myopathy with posterior leg and anterior hand involvement; Hypertrophic cardiomyopathy 26. Last evaluated: 2023-12-29. Review status: criteria provided, single submitter. Criteria: ACMG Guidelines, 2015. Collection method: clinical testing. Allele origin: germline.

Blueprint Genetics
Classification: Likely benign. Last evaluated: 2023-10-18. Review status: criteria provided, single submitter. Criteria: ACMG Guidelines, 2015. Collection method: clinical testing. Allele origin: germline.

NM_001458.5(FLNC):c.898G>A (p.Val300Met)

Gene: FLNC (filamin C; plus strand). Cytogenetic location: 7q32.1.
Variant type: single nucleotide variant.
Coding change: c.898G>A on transcript NM_001458.5 (MANE Select); coding-DNA position 898, G replaced by A.
Protein change: p.Val300Met; replaces valine 300 with methionine.
Molecular consequence: missense variant.
Genome position (GRCh38, 1-based): chr7:128,837,684, G>A. VCF-style: chr7-128837684-G-A. GRCh37 (hg19) VCF-style: chr7-128477738-G-A.
Other names: c.898G>A, p.Val300Met (NM_001127487.2); short protein forms V300M.
Identifiers: ClinVar variation 837240 (VCV000837240.15), dbSNP rs765885585, ClinGen allele CA4474162.